The following is an entry in ClinVar:

ClinVar aggregate classification (germline): Uncertain significance (1 of 4 stars; one submission).

Allele frequency attached by ClinVar (database versions not stated): ESP Exome Variant Server 0.00009.
gnomAD v4.1: 1 of 1,210,164 alleles (0.000083%); highest among the groups gnomAD compares: Non-Finnish European, 0.00011%; no homozygotes.

Submission:

CeGaT Center for Human Genetics Tuebingen
Classification: Uncertain significance. Last evaluated: 2023-09-01. Review status: criteria provided, single submitter. Criteria: CeGaT Center For Human Genetics Tuebingen Variant Classification Criteria Version 2. Collection method: clinical testing. Allele origin: germline. Affected: yes. Observed: 1 variant allele.
Comment: NHS: PM2, BP4

NM_001291867.2(NHS):c.4049A>G (p.His1350Arg)

Gene: NHS (NHS actin remodeling regulator; plus strand). Cytogenetic location: Xp22.13.
Variant type: single nucleotide variant.
Coding change: c.4049A>G on transcript NM_001291867.2 (MANE Select); coding-DNA position 4049, A replaced by G.
Protein change: p.His1350Arg; replaces histidine 1350 with arginine.
Molecular consequence: missense variant.
Genome position (GRCh38, 1-based): chrX:17,728,155, A>G. VCF-style: chrX-17728155-A-G. GRCh37 (hg19) VCF-style: chrX-17746275-A-G.
Other names: c.3518A>G, p.His1173Arg (NM_001136024.4); c.3455A>G, p.His1152Arg (NM_001291868.2); c.3986A>G, p.His1329Arg (NM_198270.4); short protein forms H1152R, H1173R, H1329R, H1350R.
Identifiers: ClinVar variation 2660087 (VCV002660087.24), dbSNP rs144463270, ClinGen allele CA10358876.
Genomic context (GRCh38, chrX:17,728,155, plus strand): 5'-CAACTAGAGCAACAGATGTAAGCAATCAATTTAAGCATCAATTTGTTATGAGCCGCCACC[A>G]TGACAAAGTGCCTGGTACTATCAGCTATGAATCGGAGATAACATCTGTAAATTCATTCCC-3'
Protein context (NP_001278796.1, residues 1340-1360): FKHQFVMSRH[His1350Arg]DKVPGTISYE